The following is an entry in ClinVar:

NM_000264.5(PTCH1):c.2238A>T (p.Lys746Asn)

Genes: PTCH1 (patched 1; minus strand), LOC100507346 (uncharacterized LOC100507346; plus strand). Cytogenetic location: 9q22.32.
Variant type: single nucleotide variant.
Coding change: c.2238A>T on transcript NM_000264.5 (MANE Select); coding-DNA position 2238, A replaced by T.
Protein change: p.Lys746Asn; replaces lysine 746 with asparagine.
Molecular consequence: missense variant. On other transcripts: non-coding transcript variant (2).
Genome position (GRCh38, 1-based): chr9:95,468,763, T>A on the plus strand (A>T on the coding strand, the complement: PTCH1 is on the minus strand). VCF-style: chr9-95468763-T-A. GRCh37 (hg19) VCF-style: chr9-98231045-T-A.
Other names: c.2040A>T, p.Lys680Asn (NM_001083602.3); c.2235A>T, p.Lys745Asn (NM_001083603.3); c.1785A>T, p.Lys595Asn (NM_001083604.3, NM_001083605.3, NM_001083606.3 and 1 more transcripts); c.2082A>T, p.Lys694Asn (NM_001354918.2); short protein forms K595N, K680N, K694N, K745N, K746N.
Identifiers: ClinVar variation 1306776 (VCV001306776.10), dbSNP rs776817244, ClinGen allele CA5138431.

ClinVar aggregate classification (germline): Conflicting classifications of pathogenicity. Review status: criteria provided, conflicting classifications (1 of 4 stars). 3 submissions from 3 submitters: Uncertain significance (2); Benign (1). Last evaluated 2025-11-25.

Conditions:
Gorlin syndrome. Also called: Nevoid Basal Cell Carcinoma Syndrome; Basal cell nevus syndrome. Identifiers: Orphanet 377, MedGen C0004779, MONDO:0007187.
Hereditary cancer-predisposing syndrome. Also called: Neoplastic Syndromes, Hereditary; Hereditary Cancer Syndrome; Tumor predisposition; Hereditary neoplastic syndrome. Identifiers: Orphanet 140162, MedGen C0027672, MeSH D009386, MONDO:0015356.

Allele frequency attached by ClinVar (database versions not stated): ExAC 0.00001; TOPMed 0.00001; gnomAD 0.00002; gnomAD exomes 0.00002.
gnomAD v4.1: 14 of 1,614,008 alleles (0.00087%); highest among the groups gnomAD compares: South Asian, 0.015%; no homozygotes.

Submissions (3):

Ambry Genetics
Classification: Uncertain significance for Hereditary cancer-predisposing syndrome. Last evaluated: 2025-11-25. Review status: criteria provided, single submitter. Criteria: Ambry Variant Classification Scheme 2023. Collection method: clinical testing. Allele origin: germline.
Comment: The p.K746N variant (also known as c.2238A>T), located in coding exon 14 of the PTCH1 gene, results from an A to T substitution at nucleotide position 2238. The lysine at codon 746 is replaced by asparagine, an amino acid with similar properties. This amino acid position is well conserved in available vertebrate species. In addition, this alteration is predicted to be tolerated by in silico analysis. Since supporting evidence is limited at this time, the clinical significance of this alteration remains unclear.

Labcorp Genetics (formerly Invitae), Labcorp
Classification: Benign for Gorlin syndrome. Last evaluated: 2023-11-27. Review status: criteria provided, single submitter. Criteria: Invitae Variant Classification Sherloc (09022015). Collection method: clinical testing. Allele origin: germline.

GeneDx
Classification: Uncertain significance. Last evaluated: 2019-07-01. Review status: criteria provided, single submitter. Criteria: GeneDx Variant Classification Process June 2021. Collection method: clinical testing. Allele origin: germline. Affected: yes.
Comment: Not observed at a significant frequency in large population cohorts (Lek et al., 2016); In silico analysis, which includes protein predictors and evolutionary conservation, supports a deleterious effect; Has not been previously published as pathogenic or benign to our knowledge